The following is an entry in ClinVar:

ClinVar aggregate classification (germline): Uncertain significance. Review status: criteria provided, multiple submitters, no conflicts (2 of 4 stars). 2 submissions from 2 submitters: Uncertain significance (2). Last evaluated 2025-09-24.

Conditions:
Hereditary cancer-predisposing syndrome. Also called: Hereditary neoplastic syndrome; Hereditary Cancer Syndrome; Neoplastic Syndromes, Hereditary; Tumor predisposition. Identifiers: Orphanet 140162, MedGen C0027672, MeSH D009386, MONDO:0015356.
Bloom syndrome (BLM). Also called: Bloom-Torre-Machacek syndrome. Identifiers: Orphanet 125, MedGen C0005859, MONDO:0008876, OMIM 210900.

Allele frequency attached by ClinVar (database versions not stated): gnomAD exomes below 0.00001; TOPMed below 0.00001.
gnomAD v4.1: 1 of 1,614,160 alleles (0.000062%); highest among the groups gnomAD compares: Non-Finnish European, 0.000085%; no homozygotes.

Submissions (2):

Labcorp Genetics (formerly Invitae), Labcorp
Classification: Uncertain significance for Bloom syndrome. Last evaluated: 2025-09-24. Review status: criteria provided, single submitter. Criteria: Invitae Variant Classification Sherloc (09022015). Collection method: clinical testing. Allele origin: germline.
Comment: This sequence change replaces leucine, which is neutral and non-polar, with phenylalanine, which is neutral and non-polar, at codon 1204 of the BLM protein (p.Leu1204Phe). This variant is not present in population databases (gnomAD no frequency). This variant has not been reported in the literature in individuals affected with BLM-related conditions. ClinVar contains an entry for this variant (Variation ID: 2566832). Invitae Evidence Modeling of protein sequence and biophysical properties (such as structural, functional, and spatial information, amino acid conservation, physicochemical variation, residue mobility, and thermodynamic stability) indicates that this missense variant is not expected to disrupt BLM protein function with a negative predictive value of 80%. In summary, the available evidence is currently insufficient to determine the role of this variant in disease. Therefore, it has been classified as a Variant of Uncertain Significance.

Ambry Genetics
Classification: Uncertain significance for Hereditary cancer-predisposing syndrome. Last evaluated: 2023-05-02. Review status: criteria provided, single submitter. Criteria: Ambry Variant Classification Scheme 2023. Collection method: clinical testing. Allele origin: germline.
Comment: The p.L1204F variant (also known as c.3612A>T), located in coding exon 18 of the BLM gene, results from an A to T substitution at nucleotide position 3612. The leucine at codon 1204 is replaced by phenylalanine, an amino acid with highly similar properties. This amino acid position is conserved. In addition, this alteration is predicted to be tolerated by in silico analysis. Since supporting evidence is limited at this time, the clinical significance of this alteration remains unclear.

NM_000057.4(BLM):c.3612A>T (p.Leu1204Phe)

Gene: BLM (BLM RecQ like helicase; plus strand). Cytogenetic location: 15q26.1.
Variant type: single nucleotide variant.
Coding change: c.3612A>T on transcript NM_000057.4 (MANE Select); coding-DNA position 3612, A replaced by T.
Protein change: p.Leu1204Phe; replaces leucine 1204 with phenylalanine.
Molecular consequence: missense variant. On other transcripts: intron variant (1).
Genome position (GRCh38, 1-based): chr15:90,804,220, A>T. VCF-style: chr15-90804220-A-T. GRCh37 (hg19) VCF-style: chr15-91347450-A-T.
Other names: c.3612A>T, p.Leu1204Phe (NM_001287246.2); c.2487A>T, p.Leu829Phe (NM_001287248.2); c.3359-4917A>T (NM_001287247.2); short protein forms L829F, L1204F.
Identifiers: ClinVar variation 2566832 (VCV002566832.3), dbSNP rs1231990786, ClinGen allele CA393848001.